The following is an entry in ClinVar:

ClinVar aggregate classification (germline): Uncertain significance. Review status: criteria provided, multiple submitters, no conflicts (2 of 4 stars). 2 submissions from 2 submitters: Uncertain significance (2). Last evaluated 2024-07-10.

Conditions:
Fanconi anemia (FA). Also called: Fanconi's anemia. Identifiers: Orphanet 84, MedGen C0015625, MeSH D005199, MONDO:0019391.

gnomAD v4.1: 4 of 1,614,114 alleles (0.00025%); highest among the groups gnomAD compares: East Asian, 0.0022%; no homozygotes.

Submissions (2):

Quest Diagnostics Nichols Institute San Juan Capistrano
Classification: Uncertain significance. Last evaluated: 2024-07-10. Review status: criteria provided, single submitter. Criteria: Quest Diagnostics criteria. Collection method: clinical testing. Allele origin: unknown.
Comment: The FANCA c.372C>G (p.Ile124Met) variant has not been reported in individuals with FANCA-related conditions in the published literature. The frequency of this variant in the general population, 0.000004 (1/251222 chromosomes (Genome Aggregation Database)), is uninformative in the assessment of its pathogenicity. Analysis of this variant using bioinformatics tools for the prediction of the effect of amino acid changes on protein structure and function yielded predictions that this variant is benign. Based on the available information, we are unable to determine the clinical significance of this variant.

Labcorp Genetics (formerly Invitae), Labcorp
Classification: Uncertain significance for Fanconi anemia. Last evaluated: 2021-09-01. Review status: criteria provided, single submitter. Criteria: Invitae Variant Classification Sherloc (09022015). Collection method: clinical testing. Allele origin: germline.
Comment: This sequence change replaces isoleucine with methionine at codon 124 of the FANCA protein (p.Ile124Met). The isoleucine residue is weakly conserved and there is a small physicochemical difference between isoleucine and methionine. This variant is present in population databases (rs765016775, ExAC 0.002%). This variant has not been reported in the literature in individuals affected with FANCA-related conditions. Algorithms developed to predict the effect of missense changes on protein structure and function are either unavailable or do not agree on the potential impact of this missense change (SIFT: "Deleterious"; PolyPhen-2: "Benign"; Align-GVGD: "Class C0"). In summary, the available evidence is currently insufficient to determine the role of this variant in disease. Therefore, it has been classified as a Variant of Uncertain Significance.

NM_000135.4(FANCA):c.372C>G (p.Ile124Met)

Gene: FANCA (FA complementation group A; minus strand). Cytogenetic location: 16q24.3.
Variant type: single nucleotide variant.
Coding change: c.372C>G on transcript NM_000135.4 (MANE Select); coding-DNA position 372, C replaced by G.
Protein change: p.Ile124Met; replaces isoleucine 124 with methionine.
Molecular consequence: missense variant.
Genome position (GRCh38, 1-based): chr16:89,810,983, G>C on the plus strand (C>G on the coding strand, the complement: FANCA is on the minus strand). VCF-style: chr16-89810983-G-C. GRCh37 (hg19) VCF-style: chr16-89877391-G-C.
Other names: c.372C>G, p.Ile124Met (NM_001018112.3, NM_001286167.3, NM_001351830.2); c.372C>G (NM_000135.3); short protein forms I124M.
Identifiers: ClinVar variation 853331 (VCV000853331.8), dbSNP rs765016775, ClinGen allele CA8253051.